The following is an entry in ClinVar:

NM_001451.3(FOXF1):c.916A>T (p.Thr306Ser)

Gene: FOXF1 (forkhead box F1; plus strand). Cytogenetic location: 16q24.1.
Variant type: single nucleotide variant.
Coding change: c.916A>T on transcript NM_001451.3 (MANE Select); coding-DNA position 916, A replaced by T.
Protein change: p.Thr306Ser; replaces threonine 306 with serine.
Molecular consequence: missense variant.
Genome position (GRCh38, 1-based): chr16:86,511,485, A>T. VCF-style: chr16-86511485-A-T. GRCh37 (hg19) VCF-style: chr16-86545091-A-T.
Other names: short protein forms T306S.
Identifiers: ClinVar variation 4852116 (VCV004852116.1).
Genomic context (GRCh38, chr16:86,511,485, plus strand): 5'-AAGCAGCAGCCCCTGTCCCCCTGTAACCCCGCGGCCAACCCCCTGTCCGGCAGCCTCTCC[A>T]CGCACTCCCTGGAGCAGCCGTATCTGCACCAGAACAGCCACAACGCCCCAGCCGAGCTGC-3'
Protein context (NP_001442.2, residues 296-316): AANPLSGSLS[Thr306Ser]HSLEQPYLHQ

ClinVar aggregate classification (germline): Likely benign (1 of 4 stars; one submission).

Conditions:
Alveolar capillary dysplasia with pulmonary venous misalignment. Also called: ALVEOLAR CAPILLARY DYSPLASIA WITH MISALIGNMENT OF PULMONARY VEINS AND OTHER CONGENITAL ANOMALIES; Alveolar capillary dysplasia with misalignment of pulmonary veins; Congenital alveolar capillary dysplasia. Identifiers: Orphanet 210122, MedGen C2960310, MONDO:0009934, OMIM 265380.

Submission:

Centre for Medical Genetics,  Mumbai
Classification: Likely benign for Alveolar capillary dysplasia with pulmonary venous misalignment. Last evaluated: 2026-04-25. Review status: criteria provided, single submitter. Criteria: ACMG Guidelines, 2015. Collection method: provider interpretation. Allele origin: germline. Inheritance: Autosomal dominant inheritance. Affected: no. Observed: 1 variant allele, 1 heterozygote.
Comment: The variant satisfies PM2 criteria - extremely low frequency in gnomAD population databases. The variant satisfies PP2 criteria - missense variant in a gene with low rate of benign missense mutations and for which missense mutation is a common mechanism of a disease. However, the variant satisfies BS2 criteria - present in heterozygous state in an individual that clinically does not have alveolar capillary dysplasia with misalignment of pulmonary veins.

Literature cited by the submitters: PubMed 15520767.